The following is an entry in ClinVar:

NM_000455.5(STK11):c.1066A>C (p.Ile356Leu)

Genes: STK11 (serine/threonine kinase 11; plus strand), LOC130062899 (ATAC-STARR-seq lymphoblastoid active region 13597; plus strand). Cytogenetic location: 19p13.3.
Variant type: single nucleotide variant.
Coding change: c.1066A>C on transcript NM_000455.5 (MANE Select); coding-DNA position 1066, A replaced by C.
Protein change: p.Ile356Leu; replaces isoleucine 356 with leucine.
Molecular consequence: missense variant.
Genome position (GRCh38, 1-based): chr19:1,223,130, A>C. VCF-style: chr19-1223130-A-C. GRCh37 (hg19) VCF-style: chr19-1223129-A-C.
Other names: short protein forms I356L.
Identifiers: ClinVar variation 818326 (VCV000818326.21), dbSNP rs772963844, ClinGen allele CA402951860.
Genomic context (GRCh38, chr19:1,223,130, plus strand): 5'-ACTGTGGTGCCGTACTTGGAGGACCTGCACGGCGCGGACGAGGACGAGGACCTCTTCGAC[A>C]TCGAGGATGACATCATCTACACTCAGGACTTCACGGTGCCCGGTGAGTCTGGCGGGGGCC-3'
Protein context (NP_000446.1, residues 346-366): GADEDEDLFD[Ile356Leu]EDDIIYTQDF

ClinVar aggregate classification (germline): Conflicting classifications of pathogenicity. Review status: criteria provided, conflicting classifications (1 of 4 stars). 4 submissions from 4 submitters: Uncertain significance (3); Likely benign (1). Last evaluated 2026-04-16.

Conditions:
Hereditary cancer-predisposing syndrome. Also called: Neoplastic Syndromes, Hereditary; Hereditary neoplastic syndrome; Hereditary Cancer Syndrome; Tumor predisposition. Identifiers: Orphanet 140162, MedGen C0027672, MeSH D009386, MONDO:0015356.
Peutz-Jeghers syndrome (PJS). Also called: POLYPOSIS, HAMARTOMATOUS INTESTINAL; POLYPS-AND-SPOTS SYNDROME; Peutz-Jeghers polyposis; Periorificial lentiginosis syndrome. Identifiers: Orphanet 2869, MedGen C0031269, MeSH D010580, MONDO:0008280, OMIM 175200.

Submissions (4):

Ambry Genetics
Classification: Likely benign for Hereditary cancer-predisposing syndrome. Last evaluated: 2026-04-16. Review status: criteria provided, single submitter. Criteria: Ambry Variant Classification Scheme 2023. Collection method: clinical testing. Allele origin: germline.

Labcorp Genetics (formerly Invitae), Labcorp
Classification: Uncertain significance for Peutz-Jeghers syndrome. Last evaluated: 2024-04-29. Review status: criteria provided, single submitter. Criteria: Invitae Variant Classification Sherloc (09022015). Collection method: clinical testing. Allele origin: germline.
Comment: This sequence change replaces isoleucine, which is neutral and non-polar, with leucine, which is neutral and non-polar, at codon 356 of the STK11 protein (p.Ile356Leu). This variant is not present in population databases (gnomAD no frequency). This variant has not been reported in the literature in individuals affected with STK11-related conditions. ClinVar contains an entry for this variant (Variation ID: 818326). Advanced modeling of protein sequence and biophysical properties (such as structural, functional, and spatial information, amino acid conservation, physicochemical variation, residue mobility, and thermodynamic stability) performed at Invitae indicates that this missense variant is not expected to disrupt STK11 protein function with a negative predictive value of 95%. In summary, the available evidence is currently insufficient to determine the role of this variant in disease. Therefore, it has been classified as a Variant of Uncertain Significance.

Color Diagnostics, LLC DBA Color Health
Classification: Uncertain significance for Hereditary cancer-predisposing syndrome. Last evaluated: 2023-12-04. Review status: criteria provided, single submitter. Criteria: ACMG Guidelines, 2015. Collection method: clinical testing. Allele origin: germline.
Comment: This missense variant replaces isoleucine with leucine at codon 356 of the STK11 protein. Computational prediction tools and conservation analyses are inconclusive regarding the impact of this variant on protein structure and function. Splice site prediction tools suggest that this variant may not impact RNA splicing. To our knowledge, functional studies have not been performed for this variant. This variant has not been reported in individuals affected with hereditary cancer in the literature. This variant has not been identified in the general population by the Genome Aggregation Database (gnomAD). The available evidence is insufficient to determine the role of this variant in disease conclusively. Therefore, this variant is classified as a Variant of Uncertain Significance.

Genome-Nilou Lab
Classification: Uncertain significance for Peutz-Jeghers syndrome. Last evaluated: 2021-07-15. Review status: criteria provided, single submitter. Criteria: ACMG Guidelines, 2015. Collection method: clinical testing. Allele origin: germline. Affected: no.